The following is an entry in ClinVar:

NM_006922.4(SCN3A):c.3821G>A (p.Trp1274Ter)

Gene: SCN3A (sodium voltage-gated channel alpha subunit 3; minus strand). Cytogenetic location: 2q24.3.
Variant type: single nucleotide variant.
Coding change: c.3821G>A on transcript NM_006922.4 (MANE Select); coding-DNA position 3821, G replaced by A.
Protein change: p.Trp1274Ter; replaces tryptophan 1274 with a stop codon.
Molecular consequence: nonsense.
Genome position (GRCh38, 1-based): chr2:165,112,907, C>T on the plus strand (G>A on the coding strand, the complement: SCN3A is on the minus strand). VCF-style: chr2-165112907-C-T. GRCh37 (hg19) VCF-style: chr2-165969417-C-T.
Other names: c.3674G>A, p.Trp1225Ter (NM_001081676.2, NM_001081677.2); short protein forms W1225*, W1274*.
Identifiers: ClinVar variation 5017457 (VCV005017457.1).

ClinVar aggregate classification (germline): Uncertain significance (1 of 4 stars; one submission).

Submission:

GeneDx
Classification: Uncertain significance. Last evaluated: 2026-03-25. Review status: criteria provided, single submitter. Criteria: GeneDx Variant Classification Process June 2021. Collection method: clinical testing. Allele origin: germline.
Comment: Not observed at significant frequency in large population cohorts (gnomAD); Nonsense variant predicted to result in protein truncation or nonsense mediated decay in a gene or region of a gene for which loss of function is not a well-established mechanism of disease; Has not been previously published as pathogenic or benign to our knowledge